The following is an entry in ClinVar:

ClinVar aggregate classification (germline): Uncertain significance. Review status: criteria provided, multiple submitters, no conflicts (2 of 4 stars). 4 submissions from 4 submitters: Uncertain significance (4). Last evaluated 2025-09-10.

Conditions:
Juvenile polyposis syndrome (JPS). Identifiers: Orphanet 2929, MedGen C0345893, MONDO:0017380, OMIM 174900.
Hereditary cancer-predisposing syndrome. Also called: Hereditary neoplastic syndrome; Neoplastic Syndromes, Hereditary; Hereditary Cancer Syndrome; Tumor predisposition. Identifiers: Orphanet 140162, MedGen C0027672, MeSH D009386, MONDO:0015356.
Polyposis syndrome, hereditary mixed, 2. Identifiers: Orphanet 157794, MedGen C1864730, MONDO:0012405, OMIM 610069.

Submissions (4):

Labcorp Genetics (formerly Invitae), Labcorp
Classification: Uncertain significance for Juvenile polyposis syndrome. Last evaluated: 2025-09-10. Review status: criteria provided, single submitter. Criteria: Invitae Variant Classification Sherloc (09022015). Collection method: clinical testing. Allele origin: germline.
Comment: This sequence change replaces methionine, which is neutral and non-polar, with isoleucine, which is neutral and non-polar, at codon 236 of the BMPR1A protein (p.Met236Ile). This variant is not present in population databases (gnomAD no frequency). This variant has not been reported in the literature in individuals affected with BMPR1A-related conditions. ClinVar contains an entry for this variant (Variation ID: 573771). Invitae Evidence Modeling of protein sequence and biophysical properties (such as structural, functional, and spatial information, amino acid conservation, physicochemical variation, residue mobility, and thermodynamic stability) has been performed for this missense variant. However, the output from this modeling did not meet the statistical confidence thresholds required to predict the impact of this variant on BMPR1A protein function. In summary, the available evidence is currently insufficient to determine the role of this variant in disease. Therefore, it has been classified as a Variant of Uncertain Significance.

Color Diagnostics, LLC DBA Color Health
Classification: Uncertain significance for Hereditary cancer-predisposing syndrome. Last evaluated: 2024-03-06. Review status: criteria provided, single submitter. Criteria: ACMG Guidelines, 2015. Collection method: clinical testing. Allele origin: germline.
Comment: This missense variant replaces methionine with isoleucine at codon 236 of the BMPR1A protein. Computational prediction is inconclusive regarding the impact of this variant on protein structure and function (internally defined REVEL score threshold 0.5 < inconclusive < 0.7, PMID: 27666373). To our knowledge, functional studies have not been reported for this variant. This variant has not been reported in individuals affected with hereditary cancer in the literature. This variant has not been identified in the general population by the Genome Aggregation Database (gnomAD). The available evidence is insufficient to determine the role of this variant in disease conclusively. Therefore, this variant is classified as a Variant of Uncertain Significance.

Baylor Genetics
Classification: Uncertain significance for Polyposis syndrome, hereditary mixed, 2. Last evaluated: 2023-09-06. Review status: criteria provided, single submitter. Criteria: ACMG Guidelines, 2015. Collection method: clinical testing. Allele origin: unknown.

Ambry Genetics
Classification: Uncertain significance for Hereditary cancer-predisposing syndrome. Last evaluated: 2021-10-12. Review status: criteria provided, single submitter. Criteria: Ambry Variant Classification Scheme 2023. Collection method: clinical testing. Allele origin: germline.
Comment: The p.M236I variant (also known as c.708G>A), located in coding exon 7 of the BMPR1A gene, results from a G to A substitution at nucleotide position 708. The methionine at codon 236 is replaced by isoleucine, an amino acid with highly similar properties. This amino acid position is highly conserved in available vertebrate species. In addition, the in silico prediction for this alteration is inconclusive. Since supporting evidence is limited at this time, the clinical significance of this alteration remains unclear.

NM_004329.3(BMPR1A):c.708G>A (p.Met236Ile)

Gene: BMPR1A (bone morphogenetic protein receptor type 1A; plus strand). Cytogenetic location: 10q23.2.
Variant type: single nucleotide variant.
Coding change: c.708G>A on transcript NM_004329.3 (MANE Select); coding-DNA position 708, G replaced by A.
Protein change: p.Met236Ile; replaces methionine 236 with isoleucine.
Molecular consequence: missense variant.
Genome position (GRCh38, 1-based): chr10:86,917,166, G>A. VCF-style: chr10-86917166-G-A. GRCh37 (hg19) VCF-style: chr10-88676923-G-A.
Other names: short protein forms M236I.
Identifiers: ClinVar variation 573771 (VCV000573771.14), dbSNP rs1564723344, ClinGen allele CA377457136.